The following is an entry in ClinVar:

NM_000152.5(GAA):c.1356_1365del (p.Ser454fs)

Gene: GAA (alpha glucosidase; plus strand). Cytogenetic location: 17q25.3.
Variant type: Deletion.
Coding change: c.1356_1365del on transcript NM_000152.5 (MANE Select); coding-DNA positions 1356 to 1365, 10 bases deleted (CGGGAGCTAC; older notation c.1356_1365delCGGGAGCTAC).
Protein change: p.Ser454fs; shifts the reading frame from serine 454.
Molecular consequence: frameshift variant.
Genome position (GRCh38, 1-based): chr17:80,109,974-80,109,983, CGGGAGCTAC deleted; deleting any 10 consecutive bases within chr17:80,109,973-80,109,983 gives the same sequence; the c. name uses the placement nearest the transcript's 3' end. VCF-style (leftmost placement, unchanged base first): chr17-80109972-GCCGGGAGCTA-G. GRCh37 (hg19) VCF-style: chr17-78083771-GCCGGGAGCTA-G.
Other names: c.1356_1365del, p.Ser454fs (NM_001079803.3, NM_001079804.3, NM_001406741.1 and 1 more transcripts); short protein forms S454fs.
Identifiers: ClinVar variation 2757226 (VCV002757226.3), dbSNP rs2510369993, ClinGen allele CA2697555215.

ClinVar aggregate classification (germline): Pathogenic (1 of 4 stars; one submission).

Conditions:
Glycogen storage disease, type II (IOPD). Also called: GLYCOGENOSIS, GENERALIZED, CARDIAC FORM; GSD II; POMPE DISEASE, INFANTILE-ONSET; GLYCOGEN STORAGE DISEASE II, INFANTILE-ONSET; ACID ALPHA-GLUCOSIDASE DEFICIENCY, INFANTILE-ONSET; GAA DEFICIENCY, INFANTILE-ONSET. Identifiers: Orphanet 365, MedGen C0017921, MONDO:0009290, OMIM 232300.

Submission:

Labcorp Genetics (formerly Invitae), Labcorp
Classification: Pathogenic for Glycogen storage disease, type II. Last evaluated: 2023-06-02. Review status: criteria provided, single submitter. Criteria: Invitae Variant Classification Sherloc (09022015). Collection method: clinical testing. Allele origin: germline.
Comment: This variant has not been reported in the literature in individuals affected with GAA-related conditions. For these reasons, this variant has been classified as Pathogenic. This variant is not present in population databases (gnomAD no frequency). This sequence change creates a premature translational stop signal (p.Ser454Profs*20) in the GAA gene. It is expected to result in an absent or disrupted protein product. Loss-of-function variants in GAA are known to be pathogenic (PMID: 18425781, 22252923).

Literature cited by the submitters: PubMed 18425781; PubMed 22252923.